The following is an entry in ClinVar:

ClinVar aggregate classification (germline): Likely benign. Review status: criteria provided, multiple submitters, no conflicts (2 of 4 stars). 3 submissions from 3 submitters: Likely benign (3). Last evaluated 2026-06-24.

Conditions:
Intellectual disability, CASK-related, X-linked. Identifiers: MedGen CN043158.

Allele frequency attached by ClinVar (database versions not stated): ExAC 0.00001; gnomAD 0.00004; TOPMed 0.00005; ESP Exome Variant Server 0.00009.
gnomAD v4.1: 53 of 1,207,206 alleles (0.0044%); highest among the groups gnomAD compares: Non-Finnish European, 0.0055%; no homozygotes.

Submissions (3):

Women's Health and Genetics/Laboratory Corporation of America, LabCorp
Classification: Likely benign. Last evaluated: 2026-06-24. Review status: criteria provided, single submitter. Criteria: LabCorp Variant Classification Summary - May 2015. Collection method: clinical testing. Allele origin: germline.

Labcorp Genetics (formerly Invitae), Labcorp
Classification: Likely benign for Intellectual disability, CASK-related, X-linked. Last evaluated: 2023-05-02. Review status: criteria provided, single submitter. Criteria: Invitae Variant Classification Sherloc (09022015). Collection method: clinical testing. Allele origin: germline.

CeGaT Center for Human Genetics Tuebingen
Classification: Likely benign. Last evaluated: 2022-09-01. Review status: criteria provided, single submitter. Criteria: CeGaT Center For Human Genetics Tuebingen Variant Classification Criteria Version 2. Collection method: clinical testing. Allele origin: germline. Affected: yes. Observed: 1 variant allele.
Comment: CASK: BP4, BP7

NM_001367721.1(CASK):c.1728G>A (p.Ser576=)

Gene: CASK (calcium/calmodulin dependent serine protein kinase; minus strand). Cytogenetic location: Xp11.4.
Variant type: single nucleotide variant.
Coding change: c.1728G>A on transcript NM_001367721.1 (MANE Select); coding-DNA position 1728, G replaced by A.
Protein change: p.Ser576=; no amino-acid change (serine 576 retained).
Molecular consequence: synonymous variant.
Genome position (GRCh38, 1-based): chrX:41,559,788, C>T on the plus strand (G>A on the coding strand, the complement: CASK is on the minus strand). VCF-style: chrX-41559788-C-T. GRCh37 (hg19) VCF-style: chrX-41419041-C-T.
Other names: c.1728G>A (NM_003688.3); c.1728G>A, p.Ser576= (NM_001126054.3, NM_003688.4); c.1710G>A, p.Ser570= (NM_001126055.3, NM_001410745.1).
Identifiers: ClinVar variation 2660349 (VCV002660349.28), dbSNP rs56199880, ClinGen allele CA10390141.